The following is an entry in ClinVar:

NM_001165963.4(SCN1A):c.3158A>T (p.Asp1053Val)

Genes: SCN1A (sodium voltage-gated channel alpha subunit 1; minus strand), LOC102724058 (uncharacterized LOC102724058; plus strand). Cytogenetic location: 2q24.3.
Variant type: single nucleotide variant.
Coding change: c.3158A>T on transcript NM_001165963.4 (MANE Select); coding-DNA position 3158, A replaced by T.
Protein change: p.Asp1053Val; replaces aspartic acid 1053 with valine.
Molecular consequence: missense variant. On other transcripts: non-coding transcript variant (2).
Genome position (GRCh38, 1-based): chr2:166,036,319, T>A on the plus strand (A>T on the coding strand, the complement: SCN1A is on the minus strand). VCF-style: chr2-166036319-T-A. GRCh37 (hg19) VCF-style: chr2-166892829-T-A.
Other names: c.3074A>T, p.Asp1025Val (NM_001165964.3, NM_001353957.2, NM_001353958.2); c.3158A>T, p.Asp1053Val (NM_001202435.3, NM_001353948.2); c.3125A>T, p.Asp1042Val (NM_001353949.2, NM_001353950.2, NM_001353951.2 and 2 more transcripts); c.3122A>T, p.Asp1041Val (NM_001353954.2, NM_001353955.2); c.3071A>T, p.Asp1024Val (NM_001353960.2); c.716A>T, p.Asp239Val (NM_001353961.2); short protein forms D1024V, D1025V, D1041V, D1042V, D1053V, D239V.
Identifiers: ClinVar variation 1060427 (VCV001060427.6), dbSNP rs772577387, ClinGen allele CA349059743.

ClinVar aggregate classification (germline): Uncertain significance. Review status: criteria provided, single submitter (1 of 4 stars). 2 submissions from 2 submitters: Uncertain significance (1). 1 of the submissions does not count toward it. Last evaluated 2025-04-30.

Conditions:
Early-infantile DEE. Also called: Ohtahara syndrome; Early infantile epileptic encephalopathy with suppression bursts; Early infantile epileptic encephalopathy. Identifiers: Orphanet 1934, MedGen C0393706, MONDO:0800491.
Seizure. Also called: Seizures. Identifiers: MedGen C0036572, HP:0001250.

Submissions (2):

Labcorp Genetics (formerly Invitae), Labcorp
Classification: Uncertain significance for Early-infantile DEE. Last evaluated: 2025-04-30. Review status: criteria provided, single submitter. Criteria: Invitae Variant Classification Sherloc (09022015). Collection method: clinical testing. Allele origin: germline.
Comment: This sequence change replaces aspartic acid, which is acidic and polar, with valine, which is neutral and non-polar, at codon 1053 of the SCN1A protein (p.Asp1053Val). This variant is not present in population databases (gnomAD no frequency). This variant has not been reported in the literature in individuals affected with SCN1A-related conditions. ClinVar contains an entry for this variant (Variation ID: 1060427). Invitae Evidence Modeling of protein sequence and biophysical properties (such as structural, functional, and spatial information, amino acid conservation, physicochemical variation, residue mobility, and thermodynamic stability) has been performed for this missense variant. However, the output from this modeling did not meet the statistical confidence thresholds required to predict the impact of this variant on SCN1A protein function. In summary, the available evidence is currently insufficient to determine the role of this variant in disease. Therefore, it has been classified as a Variant of Uncertain Significance.

Diagnostic Laboratory, Strasbourg University Hospital
Classification: Uncertain significance for Seizure. Review status: no assertion criteria provided. Collection method: clinical testing. Allele origin: maternal. Affected: yes. Observed: 1 heterozygote. Not counted in ClinVar's aggregate classification.